The following is an entry in ClinVar:

ClinVar aggregate classification (germline): Uncertain significance (1 of 4 stars; one submission).

Conditions:
Malignant hyperthermia, susceptibility to, 5 (MHS5). Also called: CACNA1S-Related Malignant Hyperthermia Susceptibility. Identifiers: Orphanet 423, MedGen C1866077, MONDO:0011163, OMIM 601887.

Submission:

All of Us Research Program, National Institutes of Health
Classification: Uncertain significance for Malignant hyperthermia, susceptibility to, 5. Last evaluated: 2024-08-06. Review status: criteria provided, single submitter. Criteria: ACMG Guidelines, 2015. Collection method: clinical testing. Allele origin: germline. Inheritance: Autosomal dominant inheritance. Observed: 1 variant allele, 1 heterozygote.
Comment: This study involves interpretation of variants in research participants for the purpose of population health screening. Participant phenotype was not available at the time of variant classification. Additional details can be found in publication PMID: 35346344, PMCID: PMC8962531

NM_000069.3(CACNA1S):c.5028C>A (p.Ser1676Arg)

Gene: CACNA1S (calcium voltage-gated channel subunit alpha1 S; minus strand). Cytogenetic location: 1q32.1.
Variant type: single nucleotide variant.
Coding change: c.5028C>A on transcript NM_000069.3 (MANE Select); coding-DNA position 5028, C replaced by A.
Protein change: p.Ser1676Arg; replaces serine 1676 with arginine.
Molecular consequence: missense variant.
Genome position (GRCh38, 1-based): chr1:201,043,301, G>T on the plus strand (C>A on the coding strand, the complement: CACNA1S is on the minus strand). VCF-style: chr1-201043301-G-T. GRCh37 (hg19) VCF-style: chr1-201012429-G-T.
Other names: short protein forms S1676R.
Identifiers: ClinVar variation 3386283 (VCV003386283.1).
Genomic context (GRCh38, chr1:201,043,301, plus strand): 5'-CAGTACCTCTACACCCAGGGATGGCAGTGGCCGCCACTACCTGGAAAACACATGGCTGTT[G>T]CTATGGTTGCTGTTGCCATAGGCGACATTGGCGTTGGCATTGTTGGTATTGGCACGAGCC-3'
Protein context (NP_000060.2, residues 1666-1686): ANVAYGNSNH[Ser1676Arg]NSHVFSSVHY